The following is an entry in ClinVar:

NM_001430.5(EPAS1):c.191T>G (p.Leu64Arg)

Gene: EPAS1 (endothelial PAS domain protein 1; plus strand). Cytogenetic location: 2p21.
Variant type: single nucleotide variant.
Coding change: c.191T>G on transcript NM_001430.5 (MANE Select); coding-DNA position 191, T replaced by G.
Protein change: p.Leu64Arg; replaces leucine 64 with arginine.
Molecular consequence: missense variant.
Genome position (GRCh38, 1-based): chr2:46,347,037, T>G. VCF-style: chr2-46347037-T-G. GRCh37 (hg19) VCF-style: chr2-46574176-T-G.
Other names: short protein forms L64R.
Identifiers: ClinVar variation 1782656 (VCV001782656.2), dbSNP rs2546440095, ClinGen allele CA346697226.

ClinVar aggregate classification (germline): Uncertain significance (1 of 4 stars; one submission).

Conditions:
Inborn genetic diseases. Identifiers: MedGen C0950123, MeSH D030342.

Submission:

Ambry Genetics
Classification: Uncertain significance for Inborn genetic diseases. Last evaluated: 2021-08-10. Review status: criteria provided, single submitter. Criteria: Ambry Variant Classification Scheme 2023. Collection method: clinical testing. Allele origin: germline.
Comment: The p.L64R variant (also known as c.191T>G), located in coding exon 2 of the EPAS1 gene, results from a T to G substitution at nucleotide position 191. The leucine at codon 64 is replaced by arginine, an amino acid with dissimilar properties. This amino acid position is conserved. In addition, this alteration is predicted to be deleterious by in silico analysis. Since supporting evidence is limited at this time, the clinical significance of this alteration remains unclear.